The following is an entry in ClinVar:

NM_001042492.3(NF1):c.7596dup (p.Asn2533fs)

Gene: NF1 (neurofibromin 1; plus strand). Cytogenetic location: 17q11.2.
Variant type: Duplication.
Coding change: c.7596dup on transcript NM_001042492.3 (MANE Select); coding-DNA position 7596, one base duplicated (C; older notation c.7596dupC).
Protein change: p.Asn2533fs; shifts the reading frame from asparagine 2533.
Molecular consequence: frameshift variant.
Genome position (GRCh38, 1-based): chr17:31,352,395, C duplicated; the last of 2 consecutive C bases (chr17:31,352,394-31,352,395); duplicating either gives the same sequence. VCF-style (leftmost placement, unchanged base first): chr17-31352393-G-GC. GRCh37 (hg19) VCF-style: chr17-29679411-G-GC.
Other names: c.7533dupC (NM_000267.3); c.7533dup, p.Asn2512Glnfs (NM_000267.4); short protein forms N2512fs, N2533fs.
Identifiers: ClinVar variation 3237946 (VCV003237946.1), dbSNP rs2508812228.

ClinVar aggregate classification (germline): Pathogenic (1 of 4 stars; one submission).

Conditions:
Hereditary cancer-predisposing syndrome. Also called: Neoplastic Syndromes, Hereditary; Tumor predisposition; Hereditary neoplastic syndrome; Hereditary Cancer Syndrome. Identifiers: Orphanet 140162, MedGen C0027672, MeSH D009386, MONDO:0015356.
Cardiovascular phenotype. Identifiers: MedGen CN230736.

Submission:

Ambry Genetics
Classification: Pathogenic for Cardiovascular phenotype; Hereditary cancer-predisposing syndrome. Last evaluated: 2023-11-28. Review status: criteria provided, single submitter. Criteria: Ambry Variant Classification Scheme 2023. Collection method: clinical testing. Allele origin: germline.
Comment: The c.7533dupC pathogenic mutation, located in coding exon 50 of the NF1 gene, results from a duplication of C at nucleotide position 7533, causing a translational frameshift with a predicted alternate stop codon (p.N2512Qfs*3). This variant is considered to be rare based on population cohorts in the Genome Aggregation Database (gnomAD). This alteration is expected to result in loss of function by premature protein truncation or nonsense-mediated mRNA decay. As such, this alteration is interpreted as a disease-causing mutation.